The following is an entry in ClinVar:

ClinVar aggregate classification (germline): Conflicting classifications of pathogenicity. Review status: criteria provided, conflicting classifications (1 of 4 stars). 2 submissions from 2 submitters: Uncertain significance (1); Likely benign (1). Last evaluated 2026-01-21.

Conditions:
Inborn genetic diseases. Identifiers: MedGen C0950123, MeSH D030342.

gnomAD v4.1: 13 of 1,613,928 alleles (0.00081%); highest among the groups gnomAD compares: African/African-American, 0.0093%; no homozygotes.

Submissions (2):

Women's Health and Genetics/Laboratory Corporation of America, LabCorp
Classification: Uncertain significance. Last evaluated: 2026-01-21. Review status: criteria provided, single submitter. Criteria: LabCorp Variant Classification Summary - May 2015. Collection method: clinical testing. Allele origin: germline.
Comment: Variant summary: KMT2C c.1945G>T (p.Val649Leu) results in a conservative amino acid change in the encoded protein sequence. Algorithms developed to predict the effect of missense changes on protein structure and function all suggest that this variant is likely to be tolerated. The variant allele was found at a frequency of 3.2e-05 in 251016 control chromosomes. The available data on variant occurrences in the general population are insufficient to allow any conclusion about variant significance. To our knowledge, no occurrence of c.1945G>T in individuals affected with KMT2C-related conditions and no experimental evidence demonstrating its impact on protein function have been reported. ClinVar contains an entry for this variant (Variation ID: 3289162). Based on the evidence outlined above, the variant was classified as uncertain significance.

Ambry Genetics
Classification: Likely benign for Inborn genetic diseases. Last evaluated: 2024-06-22. Review status: criteria provided, single submitter. Criteria: Ambry Variant Classification Scheme 2023. Collection method: clinical testing. Allele origin: germline.

NM_170606.3(KMT2C):c.1945G>T (p.Val649Leu)

Gene: KMT2C (lysine methyltransferase 2C; minus strand). Cytogenetic location: 7q36.1.
Variant type: single nucleotide variant.
Coding change: c.1945G>T on transcript NM_170606.3 (MANE Select); coding-DNA position 1945, G replaced by T.
Protein change: p.Val649Leu; replaces valine 649 with leucine.
Molecular consequence: missense variant.
Genome position (GRCh38, 1-based): chr7:152,248,489, C>A on the plus strand (G>T on the coding strand, the complement: KMT2C is on the minus strand). VCF-style: chr7-152248489-C-A. GRCh37 (hg19) VCF-style: chr7-151945574-C-A.
Other names: short protein forms V649L.
Identifiers: ClinVar variation 3289162 (VCV003289162.2).